The following is an entry in ClinVar:

NM_000202.8(IDS):c.449C>T (p.Pro150Leu)

Genes: IDS (iduronate 2-sulfatase; minus strand), LOC106050102 (IDS recombination region; plus strand). Cytogenetic location: Xq28.
Variant type: single nucleotide variant.
Coding change: c.449C>T on transcript NM_000202.8 (MANE Select); coding-DNA position 449, C replaced by T.
Protein change: p.Pro150Leu; replaces proline 150 with leucine.
Molecular consequence: missense variant. On other transcripts: non-coding transcript variant (1).
Genome position (GRCh38, 1-based): chrX:149,501,007, G>A on the plus strand (C>T on the coding strand, the complement: IDS is on the minus strand). VCF-style: chrX-149501007-G-A. GRCh37 (hg19) VCF-style: chrX-148582538-G-A.
Other names: c.179C>T, p.Pro60Leu (NM_001166550.4); c.449C>T, p.Pro150Leu (NM_006123.5); short protein forms P60L, P150L.
Identifiers: ClinVar variation 852949 (VCV000852949.10), dbSNP rs1406337035, ClinGen allele CA414523180.

ClinVar aggregate classification (germline): Uncertain significance. Review status: criteria provided, single submitter (1 of 4 stars). 2 submissions from 2 submitters: Uncertain significance (1). 1 of the submissions does not count toward it. Last evaluated 2025-04-28.

Conditions:
Mucopolysaccharidosis, MPS-III-A (MPS3A). Also called: SANFILIPPO SYNDROME A; SULFAMIDASE DEFICIENCY; Mucopolysaccharidosis, type IIIA; Mucopolysaccharidosis type IIIA (Sanfilippo A); mucopolysaccharidosis type 3A; MPS IIIA (Sanfilippo Syndrome Type A). Identifiers: Orphanet 581, Orphanet 79269, MedGen C0086647, MONDO:0009655, OMIM 252900.
Mucopolysaccharidosis, MPS-II (MPS2). Also called: Mucopolysaccharidosis type 2; Mucopolysaccharidosis with skin involvement; Hunter Syndrome; IDURONATE 2-SULFATASE DEFICIENCY; Mucopolysaccharidosis Type II; IDS deficiency. Identifiers: Orphanet 580, Orphanet 79388, MedGen C0026705, MONDO:0010674, OMIM 309900.

Allele frequency attached by ClinVar (database versions not stated): gnomAD exomes 0.00002 and 0.00001; gnomAD 0.00004 and 0.00003; TOPMed 0.00005.
gnomAD v4.1: 22 of 1,178,487 alleles (0.0019%); highest among the groups gnomAD compares: African/African-American, 0.0089%; no homozygotes.

Submissions (2):

Labcorp Genetics (formerly Invitae), Labcorp
Classification: Uncertain significance for Mucopolysaccharidosis, MPS-II. Last evaluated: 2025-04-28. Review status: criteria provided, single submitter. Criteria: Invitae Variant Classification Sherloc (09022015). Collection method: clinical testing. Allele origin: germline.
Comment: This sequence change replaces proline, which is neutral and non-polar, with leucine, which is neutral and non-polar, at codon 150 of the IDS protein (p.Pro150Leu). This variant is present in population databases (no rsID available, gnomAD 0.01%). This variant has not been reported in the literature in individuals affected with IDS-related conditions. ClinVar contains an entry for this variant (Variation ID: 852949). Invitae Evidence Modeling of protein sequence and biophysical properties (such as structural, functional, and spatial information, amino acid conservation, physicochemical variation, residue mobility, and thermodynamic stability) indicates that this missense variant is not expected to disrupt IDS protein function with a negative predictive value of 80%. In summary, the available evidence is currently insufficient to determine the role of this variant in disease. Therefore, it has been classified as a Variant of Uncertain Significance.

Natera, Inc.
Classification: Uncertain significance for Mucopolysaccharidosis type IIIA. Last evaluated: 2021-07-15. Review status: no assertion criteria provided. Collection method: clinical testing. Allele origin: germline. Not counted in ClinVar's aggregate classification.